The following is an entry in ClinVar:

ClinVar aggregate classification (germline): Uncertain significance (1 of 4 stars; one submission).

gnomAD v4.1: 2 of 1,612,014 alleles (0.00012%); highest among the groups gnomAD compares: South Asian, 0.0011%; no homozygotes.

Submission:

Labcorp Genetics (formerly Invitae), Labcorp
Classification: Uncertain significance. Last evaluated: 2021-07-16. Review status: criteria provided, single submitter. Criteria: Invitae Variant Classification Sherloc (09022015). Collection method: clinical testing. Allele origin: germline.
Comment: This sequence change replaces asparagine with lysine at codon 421 of the TYR protein (p.Asn421Lys). The asparagine residue is moderately conserved and there is a moderate physicochemical difference between asparagine and lysine. In summary, the available evidence is currently insufficient to determine the role of this variant in disease. Therefore, it has been classified as a Variant of Uncertain Significance. Advanced modeling of protein sequence and biophysical properties (such as structural, functional, and spatial information, amino acid conservation, physicochemical variation, residue mobility, and thermodynamic stability) performed at Invitae indicates that this missense variant is expected to disrupt TYR protein function. This variant has not been reported in the literature in individuals affected with TYR-related conditions. This variant is not present in population databases (ExAC no frequency).

NM_000372.5(TYR):c.1263C>A (p.Asn421Lys)

Gene: TYR (tyrosinase; plus strand). Cytogenetic location: 11q14.3.
Variant type: single nucleotide variant.
Coding change: c.1263C>A on transcript NM_000372.5 (MANE Select); coding-DNA position 1263, C replaced by A.
Protein change: p.Asn421Lys; replaces asparagine 421 with lysine.
Molecular consequence: missense variant.
Genome position (GRCh38, 1-based): chr11:89,284,851, C>A. VCF-style: chr11-89284851-C-A. GRCh37 (hg19) VCF-style: chr11-89018019-C-A.
Other names: short protein forms N421K.
Identifiers: ClinVar variation 1505718 (VCV001505718.8), dbSNP rs2135324287, ClinGen allele CA382077982.
Genomic context (GRCh38, chr11:89,284,851, plus strand): 5'-CCGAAGGCACCGTCCTCTTCAAGAAGTTTATCCAGAAGCCAATGCACCCATTGGACATAA[C>A]CGGGAATCCTACATGGTTCCTTTTATACCACTGTACAGAAATGGTGATTTCTTTATTTCA-3'
Protein context (NP_000363.1, residues 411-431): YPEANAPIGH[Asn421Lys]RESYMVPFIP